The following is an entry in ClinVar:

NM_024422.6(DSC2):c.2125T>A (p.Cys709Ser)

Gene: DSC2 (desmocollin 2; minus strand). Cytogenetic location: 18q12.1.
Variant type: single nucleotide variant.
Coding change: c.2125T>A on transcript NM_024422.6 (MANE Select); coding-DNA position 2125, T replaced by A.
Protein change: p.Cys709Ser; replaces cysteine 709 with serine.
Molecular consequence: missense variant.
Genome position (GRCh38, 1-based): chr18:31,071,605, A>T on the plus strand (T>A on the coding strand, the complement: DSC2 is on the minus strand). VCF-style: chr18-31071605-A-T. GRCh37 (hg19) VCF-style: chr18-28651571-A-T.
Other names: c.1696T>A, p.Cys566Ser (NM_001406506.1, NM_001406507.1); c.2125T>A, p.Cys709Ser (NM_004949.5); short protein forms C566S, C709S.
Identifiers: ClinVar variation 3074661 (VCV003074661.1), dbSNP rs755534194, ClinGen allele CA402112684.

ClinVar aggregate classification (germline): Uncertain significance (1 of 4 stars; one submission).

Conditions:
Familial isolated arrhythmogenic right ventricular dysplasia. Identifiers: Orphanet 217656, MedGen C4274968, MONDO:0016342.

Submission:

All of Us Research Program, National Institutes of Health
Classification: Uncertain significance for Familial isolated arrhythmogenic right ventricular dysplasia. Last evaluated: 2023-11-20. Review status: criteria provided, single submitter. Criteria: ACMG Guidelines, 2015. Collection method: clinical testing. Allele origin: germline. Inheritance: Autosomal dominant inheritance. Observed: 1 variant allele, 1 heterozygote.
Comment: This missense variant replaces cysteine with serine at codon 709 of the DSC2 protein. Computational prediction suggests that this variant may not impact protein structure and function (internally defined REVEL score threshold <= 0.5, PMID: 27666373). To our knowledge, functional studies have not been reported for this variant. This variant has not been reported in individuals affected with DSC2-related disorders in the literature. This variant has not been identified in the general population by the Genome Aggregation Database (gnomAD). The available evidence is insufficient to determine the role of this variant in disease conclusively. Therefore, this variant is classified as a Variant of Uncertain Significance.

This study involves interpretation of variants in research participants for the purpose of population health screening. Participant phenotype was not available at the time of variant classification. Additional details can be found in publication PMID: 35346344, PMCID: PMC8962531